The following is an entry in ClinVar:

ClinVar aggregate classification (germline): Pathogenic. Review status: criteria provided, multiple submitters, no conflicts (2 of 4 stars). 2 submissions from 2 submitters: Pathogenic (2). Last evaluated 2023-09-17.

Conditions:
TAFAZZIN-related disorder. Also called: TAFAZZIN-Related Disorders; TAFAZZIN-related condition.
3-Methylglutaconic aciduria type 2 (BTHS). Also called: Barth syndrome; CARDIOSKELETAL MYOPATHY WITH NEUTROPENIA AND ABNORMAL MITOCHONDRIA. Identifiers: Orphanet 111, MedGen C0574083, MONDO:0010543, OMIM 302060.

Submissions (2):

PreventionGenetics, part of Exact Sciences
Classification: Pathogenic for TAFAZZIN-related condition. Last evaluated: 2023-09-17. Review status: criteria provided, single submitter. Criteria: ACMG Guidelines, 2015. Collection method: clinical testing. Allele origin: germline.
Comment: The TAFAZZIN c.236G>A variant is predicted to result in premature protein termination (p.Trp79*). This variant was reported in individuals with Barth syndrome (see, for example, Gonzalez et al. 2005. PubMed ID: 15793838). This variant has not been reported in a large population database, indicating this variant is rare. Nonsense variants in TAFAZZIN are expected to be pathogenic. This variant is interpreted as pathogenic.

Molecular Diagnostics Lab, Nemours Children's Health, Delaware
Classification: Pathogenic for 3-Methylglutaconic aciduria type 2. Last evaluated: 2020-07-22. Review status: criteria provided, single submitter. Criteria: ACMG Guidelines, 2015. Collection method: clinical testing. Allele origin: maternal, unknown. Inheritance: X-linked inheritance. Affected: yes and no. Observed: 6 heterozygotes, 2 hemizygotes.

Literature cited by the submitters: PubMed 15793838 (cited by Molecular Diagnostics Lab, Nemours Children's Health, Delaware).

NM_000116.5(TAFAZZIN):c.236G>A (p.Trp79Ter)

Gene: TAFAZZIN (tafazzin, phospholipid-lysophospholipid transacylase; plus strand). Cytogenetic location: Xq28.
Variant type: single nucleotide variant.
Coding change: c.236G>A on transcript NM_000116.5 (MANE Select); coding-DNA position 236, G replaced by A.
Protein change: p.Trp79Ter; replaces tryptophan 79 with a stop codon.
Molecular consequence: nonsense. On other transcripts: non-coding transcript variant (1).
Genome position (GRCh38, 1-based): chrX:154,412,212, G>A. VCF-style: chrX-154412212-G-A. GRCh37 (hg19) VCF-style: chrX-153640549-G-A.
Other names: c.290G>A, p.Trp97Ter (NM_001303465.2, NM_001410698.1); c.236G>A, p.Trp79Ter (NM_181311.4, NM_181312.4, NM_181313.4); c.236G>A (NM_000116.4); short protein forms W79*, W97*.
Identifiers: ClinVar variation 2506921 (VCV002506921.3), dbSNP rs2522925387, ClinGen allele CA415180267.